The following is an entry in ClinVar:

ClinVar aggregate classification (germline): Uncertain significance (1 of 4 stars; one submission).

Submission:

Labcorp Genetics (formerly Invitae), Labcorp
Classification: Uncertain significance. Last evaluated: 2024-07-12. Review status: criteria provided, single submitter. Criteria: Invitae Variant Classification Sherloc (09022015). Collection method: clinical testing. Allele origin: germline.
Comment: This sequence change replaces glycine, which is neutral and non-polar, with valine, which is neutral and non-polar, at codon 25 of the PPP2R5D protein (p.Gly25Val). This variant is not present in population databases (gnomAD no frequency). This variant has not been reported in the literature in individuals affected with PPP2R5D-related conditions. An algorithm developed to predict the effect of missense changes on protein structure and function (PolyPhen-2) suggests that this variant is likely to be tolerated. In summary, the available evidence is currently insufficient to determine the role of this variant in disease. Therefore, it has been classified as a Variant of Uncertain Significance.

NM_006245.4(PPP2R5D):c.74G>T (p.Gly25Val)

Gene: PPP2R5D (protein phosphatase 2 regulatory subunit B'delta; plus strand). Cytogenetic location: 6p21.1.
Variant type: single nucleotide variant.
Coding change: c.74G>T on transcript NM_006245.4 (MANE Select); coding-DNA position 74, G replaced by T.
Protein change: p.Gly25Val; replaces glycine 25 with valine.
Molecular consequence: missense variant. On other transcripts: intron variant (1), 5 prime UTR variant (1).
Genome position (GRCh38, 1-based): chr6:42,989,657, G>T. VCF-style: chr6-42989657-G-T. GRCh37 (hg19) VCF-style: chr6-42957395-G-T.
Other names: c.74G>T, p.Gly25Val (NM_180976.3); c.27+4953G>T (NM_180977.3); c.-397G>T (NM_001270476.2); short protein forms G25V.
Identifiers: ClinVar variation 3675204 (VCV003675204.2).